The following is an entry in ClinVar:

ClinVar aggregate classification (germline): Uncertain significance (1 of 4 stars; one submission).

Submission:

GeneDx
Classification: Uncertain significance. Last evaluated: 2024-06-04. Review status: criteria provided, single submitter. Criteria: GeneDx Variant Classification Process June 2021. Collection method: clinical testing. Allele origin: germline. Affected: yes.
Comment: Not observed at significant frequency in large population cohorts (gnomAD); In silico analysis indicates that this missense variant does not alter protein structure/function; Has not been previously published as pathogenic or benign to our knowledge

NM_006593.4(TBR1):c.176T>C (p.Met59Thr)

Gene: TBR1 (T-box brain transcription factor 1; plus strand). Cytogenetic location: 2q24.2.
Variant type: single nucleotide variant.
Coding change: c.176T>C on transcript NM_006593.4 (MANE Select); coding-DNA position 176, T replaced by C.
Protein change: p.Met59Thr; replaces methionine 59 with threonine.
Molecular consequence: missense variant.
Genome position (GRCh38, 1-based): chr2:161,416,586, T>C. VCF-style: chr2-161416586-T-C. GRCh37 (hg19) VCF-style: chr2-162273097-T-C.
Other names: short protein forms M59T.
Identifiers: ClinVar variation 3384239 (VCV003384239.1).